The following is an entry in ClinVar:

ClinVar aggregate classification (germline): Uncertain significance (1 of 4 stars; one submission).

gnomAD v4.1: 1 of 1,614,196 alleles (0.000062%); highest among the groups gnomAD compares: Non-Finnish European, 0.000085%; no homozygotes.

Submission:

Ambry Genetics
Classification: Uncertain significance. Last evaluated: 2024-02-16. Review status: criteria provided, single submitter. Criteria: Ambry Variant Classification Scheme 2023. Collection method: clinical testing. Allele origin: germline.
Comment: The p.D1043G variant (also known as c.3128A>G), located in coding exon 1 of the MLH3 gene, results from an A to G substitution at nucleotide position 3128. The aspartic acid at codon 1043 is replaced by glycine, an amino acid with similar properties. This amino acid position is conserved. In addition, the in silico prediction for this alteration is inconclusive. Based on the available evidence, the clinical significance of this alteration remains unclear.

NM_001040108.2(MLH3):c.3128A>G (p.Asp1043Gly)

Gene: MLH3 (mutL homolog 3; minus strand). Cytogenetic location: 14q24.3.
Variant type: single nucleotide variant.
Coding change: c.3128A>G on transcript NM_001040108.2 (MANE Select); coding-DNA position 3128, A replaced by G.
Protein change: p.Asp1043Gly; replaces aspartic acid 1043 with glycine.
Molecular consequence: missense variant.
Genome position (GRCh38, 1-based): chr14:75,046,528, T>C on the plus strand (A>G on the coding strand, the complement: MLH3 is on the minus strand). VCF-style: chr14-75046528-T-C. GRCh37 (hg19) VCF-style: chr14-75513231-T-C.
Other names: c.3128A>G, p.Asp1043Gly (NM_014381.3); short protein forms D1043G.
Identifiers: ClinVar variation 3232525 (VCV003232525.1), dbSNP rs2503253548, ClinGen allele CA390436062.